The following is an entry in ClinVar:

NM_000094.4(COL7A1):c.5108G>A (p.Gly1703Glu)

Gene: COL7A1 (collagen type VII alpha 1 chain; minus strand). Cytogenetic location: 3p21.31.
Variant type: single nucleotide variant.
Coding change: c.5108G>A on transcript NM_000094.4 (MANE Select); coding-DNA position 5108, G replaced by A.
Protein change: p.Gly1703Glu; replaces glycine 1703 with glutamic acid.
Molecular consequence: missense variant.
Genome position (GRCh38, 1-based): chr3:48,580,047, C>T on the plus strand (G>A on the coding strand, the complement: COL7A1 is on the minus strand). VCF-style: chr3-48580047-C-T. GRCh37 (hg19) VCF-style: chr3-48617480-C-T.
Other names: short protein forms G1703E.
Identifiers: ClinVar variation 1404283 (VCV001404283.12), dbSNP rs770304825, ClinGen allele CA2379668.

ClinVar aggregate classification (germline): Pathogenic. Review status: criteria provided, multiple submitters, no conflicts (2 of 4 stars). 6 submissions from 6 submitters: Pathogenic (6). Last evaluated 2026-01-08.

Conditions:
COL7A1-related disorder. Also called: COL7A1-related condition; COL7A1- related disorders.
Recessive dystrophic epidermolysis bullosa (RDEB). Also called: Hallopeau-Siemens Disease; epidermolysis bullosa dystrophica, autosomal recessive; DYSTROPHIC EPIDERMOLYSIS BULLOSA, AUTOSOMAL RECESSIVE; EPIDERMOLYSIS BULLOSA DYSTROPHICA, HALLOPEAU-SIEMENS TYPE; Recessive DEB (RDEB); EPIDERMOLYSIS BULLOSA DYSTROPHICA, GENERALIZED SEVERE, AUTOSOMAL RECESSIVE. Identifiers: Orphanet 79408, Orphanet 79409, MedGen C0079474, MONDO:0009179, OMIM 226600.
Transient bullous dermolysis of the newborn (TBDN). Also called: EPIDERMOLYSIS BULLOSA DYSTROPHICA, NEONATAL FORM; DYSTROPHIC EPIDERMOLYSIS BULLOSA, NEONATAL. Identifiers: Orphanet 79411, MedGen C1851573, MONDO:0007548, OMIM 131705.
Nonsyndromic congenital nail disorder 8. Also called: TOENAIL DYSTROPHY, ISOLATED. Identifiers: MedGen C1843761, MONDO:0011852, OMIM 607523.
Generalized dominant dystrophic epidermolysis bullosa (DDEB). Also called: DDEB, generalized; DDEB-gen; Dominant DEB (DDEB); DYSTROPHIC EPIDERMOLYSIS BULLOSA, AUTOSOMAL DOMINANT; Epidermolysis bullosa dystrophica, autosomal dominant. Identifiers: Orphanet 231568, MedGen C0432322, MONDO:0007549, OMIM 131750.
Epidermolysis bullosa pruriginosa. Also called: DEB, PRURIGINOSA; DYSTROPHIC EPIDERMOLYSIS BULLOSA PRURIGINOSA. Identifiers: Orphanet 89843, MedGen C1275114, MONDO:0011398, OMIM 604129.
Pretibial dystrophic epidermolysis bullosa. Also called: Pretibial epidermolysis bullosa; Pretibial blistering; EPIDERMOLYSIS BULLOSA DYSTROPHICA, PRETIBIAL. Identifiers: Orphanet 79410, MedGen C0432321, MONDO:0007552, OMIM 131850, HP:0012221.
Dominant dystrophic epidermolysis bullosa with absence of skin. Also called: EPIDERMOLYSIS BULLOSA DYSTROPHICA, BART TYPE; EPIDERMOLYSIS BULLOSA WITH CONGENITAL LOCALIZED ABSENCE OF SKIN AND DEFORMITY OF NAILS. Identifiers: MedGen C0268371, MONDO:0007557, OMIM 132000.

Allele frequency attached by ClinVar (database versions not stated): gnomAD exomes below 0.00001 and 0.00001; ExAC 0.00003; TOPMed 0.00003.
gnomAD v4.1: 2 of 1,613,932 alleles (0.00012%); highest among the groups gnomAD compares: Admixed American, 0.0017%; no homozygotes.

Submissions (6):

Myriad Genetics, Inc.
Classification: Pathogenic for Recessive dystrophic epidermolysis bullosa. Last evaluated: 2026-01-08. Review status: criteria provided, single submitter. Criteria: Myriad Autosomal Dominant, Autosomal Recessive and X-Linked Classification Criteria (2023). Collection method: clinical testing. Allele origin: unknown.
Comment: NM_000094.3(COL7A1):c.5108G>A(G1703E) is a missense variant classified as pathogenic in the context of dystrophic epidermolysis bullosa. G1703E has been observed in cases with relevant disease (PMID: 10504458, 10944088, 34435747). Relevant functional assessments of this variant are not available in the literature. G1703E has been observed in referenced population frequency databases. In summary, NM_000094.3(COL7A1):c.5108G>A(G1703E) is a missense variant that has internal structural support for pathogenicity and has been observed more frequently in cases with the relevant disease than in healthy populations. Please note: this variant was assessed in the context of healthy population screening.

PreventionGenetics, part of Exact Sciences
Classification: Pathogenic for COL7A1-related condition. Last evaluated: 2025-07-22. Review status: criteria provided, single submitter. Criteria: ACMG Guidelines, 2015. Collection method: clinical testing. Allele origin: germline.
Comment: The COL7A1 c.5108G>A variant is predicted to result in the amino acid substitution p.Gly1703Glu. This variant has been reported with a second COL7A1 variant in individuals with autosomal recessive dystrophic epidermolysis bullosa (see, for example, Whittock et al. 1999. PubMed ID: 10504458; Garza-Gómez et al. 2014. PubMed ID: 24899116; Warshauer et al. 2021. PubMed ID: 34435747). This variant is reported in 0.0058% of alleles in individuals of Latino descent in gnomAD. The amino acid residue p.Gly1703 resides within the triple helical domain of the COL7A1 protein (amino acids 1254-2784). Glycine substitutions within this domain affect the folding and secretion of type VII collagen, and pathogenic variants altering glycine residues have been reported in individuals with COL7A1-related disorders (Dang and Murrell. 2008. PubMed ID: 18558993; Abu Sa'd et al. 2006. PubMed ID: 16439963; Almaani et al. 2011. PubMed ID: 21448560; Vahidnezhad et al. 2017. PubMed ID: 27899325). In summary, this variant is interpreted as pathogenic.

Labcorp Genetics (formerly Invitae), Labcorp
Classification: Pathogenic. Last evaluated: 2025-07-01. Review status: criteria provided, single submitter. Criteria: Invitae Variant Classification Sherloc (09022015). Collection method: clinical testing. Allele origin: germline.
Comment: This sequence change replaces glycine, which is neutral and non-polar, with glutamic acid, which is acidic and polar, at codon 1703 of the COL7A1 protein (p.Gly1703Glu). This variant is present in population databases (rs770304825, gnomAD 0.006%). This missense change has been observed in individual(s) with autosomal recessive dystrophic epidermolysis bullosa (PMID: 10504458, 10944088). In at least one individual the data is consistent with being in trans (on the opposite chromosome) from a pathogenic variant. ClinVar contains an entry for this variant (Variation ID: 1404283). Invitae Evidence Modeling of protein sequence and biophysical properties (such as structural, functional, and spatial information, amino acid conservation, physicochemical variation, residue mobility, and thermodynamic stability) indicates that this missense variant is expected to disrupt COL7A1 protein function with a positive predictive value of 95%. This variant disrupts the triple helix domain of COL7A1. Glycine residues within the Gly-Xaa-Yaa repeats of the triple helix domain are required for the structure and stability of fibrillar collagens (PMID: 7695699, 8218237, 19344236), and variants at these glycine residues in COL7A1 are more frequently observed in individuals with disease than in the general population (PMID: 22058051). However, the clinical significance of this observation remains uncertain since only a limited number of affected individuals have been described to date. This variant disrupts the p.Gly1703 amino acid residue in COL7A1. Other variant(s) that disrupt this residue have been observed in individuals with COL7A1-related conditions (PMID: 33258232), which suggests that this may be a clinically significant amino acid residue. For these reasons, this variant has been classified as Pathogenic.

Fulgent Genetics
Classification: Pathogenic for Transient bullous dermolysis of the newborn; Generalized dominant dystrophic epidermolysis bullosa; Pretibial dystrophic epidermolysis bullosa; Dominant dystrophic epidermolysis bullosa with absence of skin; Recessive dystrophic epidermolysis bullosa; Epidermolysis bullosa pruriginosa; Nonsyndromic congenital nail disorder 8. Last evaluated: 2024-04-22. Review status: criteria provided, single submitter. Criteria: ACMG Guidelines, 2015. Collection method: clinical testing. Allele origin: germline.

Women's Health and Genetics/Laboratory Corporation of America, LabCorp
Classification: Pathogenic for Dystrophic Epidermolysis Bullosa, Recessive. Last evaluated: 2024-04-17. Review status: criteria provided, single submitter. Criteria: LabCorp Variant Classification Summary - May 2015. Collection method: clinical testing. Allele origin: germline.
Comment: Variant summary: COL7A1 c.5108G>A (p.Gly1703Glu) results in a non-conservative amino acid change in the encoded protein sequence. Five of five in-silico tools predict a damaging effect of the variant on protein function. The variant allele was found at a frequency of 1.2e-05 in 250342 control chromosomes (gnomAD). c.5108G>A has been reported in the literature in multiple individuals affected with Dystrophic Epidermolysis Bullosa, Recessive (e.g. Whittock_1999, Garzo-Gomez_2014). These data indicate that the variant is very likely to be associated with disease. The following publications have been ascertained in the context of this evaluation (PMID: 10504458, 24899116). ClinVar contains an entry for this variant (Variation ID: 1404283). Based on the evidence outlined above, the variant was classified as pathogenic.

GeneDx
Classification: Pathogenic. Last evaluated: 2021-12-03. Review status: criteria provided, single submitter. Criteria: GeneDx Variant Classification Process June 2021. Collection method: clinical testing. Allele origin: germline. Affected: yes.
Comment: Located in the highly conserved Gly-X-Y repeat of the collagenous domain; Glycine substitution variants in this region of the COLVII protein destabilize the collagen triple helix resulting in skin fragility due to poor anchoring of the basement membrane to the underlying dermis (Pfendner and Lucky, 2018); In silico analysis supports that this missense variant has a deleterious effect on protein structure/function; This variant is associated with the following publications: (PMID: 21448560, 18578710, 17495952, 10944088, 18558993, 24210835, 34435747, 10504458)

Literature cited by the submitters: PubMed 10504458 (cited by 3 submitters); PubMed 10944088 (cited by Myriad Genetics, Inc. and Labcorp Genetics (formerly Invitae), Labcorp); PubMed 34435747 (cited by Myriad Genetics, Inc.); PubMed 7695699 (cited by Labcorp Genetics (formerly Invitae), Labcorp); PubMed 8218237 (cited by Labcorp Genetics (formerly Invitae), Labcorp); PubMed 19344236 (cited by Labcorp Genetics (formerly Invitae), Labcorp); PubMed 22058051 (cited by Labcorp Genetics (formerly Invitae), Labcorp); PubMed 33258232 (cited by Labcorp Genetics (formerly Invitae), Labcorp); PubMed 24899116 (cited by Women's Health and Genetics/Laboratory Corporation of America, LabCorp).